The following is an entry in ClinVar:

ClinVar aggregate classification (germline): Uncertain significance (1 of 4 stars; one submission).

Conditions:
Fibrous dysplasia of jaw (CRBM). Also called: Cherubism. Identifiers: Orphanet 184, MedGen C0008029, MONDO:0007315, OMIM 118400.

gnomAD v4.1: 6 of 1,609,684 alleles (0.00037%); highest among the groups gnomAD compares: Non-Finnish European, 0.00051%; no homozygotes.

Submission:

Labcorp Genetics (formerly Invitae), Labcorp
Classification: Uncertain significance for Fibrous dysplasia of jaw. Last evaluated: 2025-05-12. Review status: criteria provided, single submitter. Criteria: Invitae Variant Classification Sherloc (09022015). Collection method: clinical testing. Allele origin: germline.
Comment: This sequence change replaces valine, which is neutral and non-polar, with leucine, which is neutral and non-polar, at codon 529 of the SH3BP2 protein (p.Val529Leu). This variant is not present in population databases (gnomAD no frequency). This variant has not been reported in the literature in individuals affected with SH3BP2-related conditions. ClinVar contains an entry for this variant (Variation ID: 2751664). Invitae Evidence Modeling of protein sequence and biophysical properties (such as structural, functional, and spatial information, amino acid conservation, physicochemical variation, residue mobility, and thermodynamic stability) indicates that this missense variant is not expected to disrupt SH3BP2 protein function with a negative predictive value of 95%. In summary, the available evidence is currently insufficient to determine the role of this variant in disease. Therefore, it has been classified as a Variant of Uncertain Significance.

NM_001122681.2(SH3BP2):c.1585G>T (p.Val529Leu)

Gene: SH3BP2 (SH3 domain binding protein 2; plus strand). Cytogenetic location: 4p16.3.
Variant type: single nucleotide variant.
Coding change: c.1585G>T on transcript NM_001122681.2 (MANE Select); coding-DNA position 1585, G replaced by T.
Protein change: p.Val529Leu; replaces valine 529 with leucine.
Molecular consequence: missense variant.
Genome position (GRCh38, 1-based): chr4:2,833,733, G>T. VCF-style: chr4-2833733-G-T. GRCh37 (hg19) VCF-style: chr4-2835460-G-T.
Other names: c.1669G>T, p.Val557Leu (NM_001145855.2); c.1756G>T, p.Val586Leu (NM_001145856.2); c.1585G>T, p.Val529Leu (NM_003023.4); short protein forms V557L, V586L, V529L.
Identifiers: ClinVar variation 2751664 (VCV002751664.3), dbSNP rs764179076, ClinGen allele CA356059591.
Genomic context (GRCh38, chr4:2,833,733, plus strand): 5'-GCTCCCCCTTCTCTTCCCCCACAGGACTCTAAGTTCTACCTGGAGGGCGAGGTCCTGTTT[G>T]TGAGTGTGGGCAGCATGGTGGAGCACTACCACACCCACGTGCTGCCCAGCCACCAGAGCC-3'
Protein context (NP_001116153.1, residues 519-539): KFYLEGEVLF[Val529Leu]SVGSMVEHYH